The following is an entry in ClinVar:

NM_001080517.3(SETD5):c.941A>G (p.Asn314Ser)

Gene: SETD5 (SET domain containing 5; plus strand). Cytogenetic location: 3p25.3.
Variant type: single nucleotide variant.
Coding change: c.941A>G on transcript NM_001080517.3 (MANE Select); coding-DNA position 941, A replaced by G.
Protein change: p.Asn314Ser; replaces asparagine 314 with serine.
Molecular consequence: missense variant.
Genome position (GRCh38, 1-based): chr3:9,441,723, A>G. VCF-style: chr3-9441723-A-G. GRCh37 (hg19) VCF-style: chr3-9483407-A-G.
Other names: c.647A>G, p.Asn216Ser (NM_001292043.2, NM_001349451.2); c.941A>G (NM_001080517.1); short protein forms N216S, N314S.
Identifiers: ClinVar variation 973265 (VCV000973265.10), dbSNP rs2041315307, ClinGen allele CA351689032.

ClinVar aggregate classification (germline): Conflicting classifications of pathogenicity. Review status: criteria provided, conflicting classifications (1 of 4 stars). 4 submissions from 4 submitters: Pathogenic (1); Likely pathogenic (1); Uncertain significance (1). 1 of the submissions does not count toward it. Last evaluated 2023-10-15.

Conditions:
Intellectual disability-facial dysmorphism syndrome due to SETD5 haploinsufficiency (MRD23). Also called: Intellectual developmental disorder, autosomal dominant 23. Identifiers: Orphanet 404440, MedGen C3810406, MONDO:0014336, OMIM 615761.

Allele frequency attached by ClinVar (database versions not stated): gnomAD exomes below 0.00001.
gnomAD v4.1: 1 of 1,614,026 alleles (0.000062%); highest among the groups gnomAD compares: Non-Finnish European, 0.000085%; no homozygotes.

Submissions (4):

Labcorp Genetics (formerly Invitae), Labcorp
Classification: Uncertain significance. Last evaluated: 2023-10-15. Review status: criteria provided, single submitter. Criteria: Invitae Variant Classification Sherloc (09022015). Collection method: clinical testing. Allele origin: germline.
Comment: This sequence change replaces asparagine, which is neutral and polar, with serine, which is neutral and polar, at codon 314 of the SETD5 protein (p.Asn314Ser). This variant is not present in population databases (gnomAD no frequency). This missense change has been observed in individual(s) with clinical features of SETD5-related neurodevelopmental syndrome (PMID: 32371413; Invitae). This variant is also known as c.647A>G (p.Asn216Ser). ClinVar contains an entry for this variant (Variation ID: 973265). Advanced modeling of protein sequence and biophysical properties (such as structural, functional, and spatial information, amino acid conservation, physicochemical variation, residue mobility, and thermodynamic stability) has been performed at Invitae for this missense variant, however the output from this modeling did not meet the statistical confidence thresholds required to predict the impact of this variant on SETD5 protein function. Algorithms developed to predict the effect of sequence changes on RNA splicing suggest that this variant may disrupt the consensus splice site. In summary, the available evidence is currently insufficient to determine the role of this variant in disease. Therefore, it has been classified as a Variant of Uncertain Significance.

GeneDx
Classification: Pathogenic. Last evaluated: 2023-02-21. Review status: criteria provided, single submitter. Criteria: GeneDx Variant Classification Process June 2021. Collection method: clinical testing. Allele origin: germline. Affected: yes.
Comment: Not observed at significant frequency in large population cohorts (gnomAD); In silico analysis supports that this missense variant has a deleterious effect on protein structure/function; In silico analysis supports a deleterious effect on splicing; This variant is associated with the following publications: (PMID: 32371413)

Institute for Genomic Medicine (IGM) Clinical Laboratory, Nationwide Children's Hospital
Classification: Likely pathogenic for Intellectual disability-facial dysmorphism syndrome due to SETD5 haploinsufficiency. Last evaluated: 2018-04-18. Review status: criteria provided, single submitter. Criteria: ACMG Guidelines, 2015. Collection method: clinical testing. Allele origin: germline. Affected: yes.
Comment: [ACMG/AMP: PS2, PM2, PP3, BP1] This alteration is de novo in origin as it was not detected in the submitted parental specimens (identity confirmed) [PS2], is absent from or rarely observed in large-scale population databases [PM2], is predicted to be damaging by multiple functional prediction tools [PP3], is a missense alteration in a gene for which primarily truncating variants are known to cause disease [BP1].

Molecular Genetics Laboratory, BC Children's and BC Women's Hospitals
Classification: Likely pathogenic for Intellectual disability-facial dysmorphism syndrome due to SETD5 haploinsufficiency. Last evaluated: 2024-06-19. Review status: no assertion criteria provided. Criteria: ACMG Guidelines, 2015. Collection method: clinical testing. Allele origin: de novo. Affected: yes. Not counted in ClinVar's aggregate classification.

Literature cited by the submitters: PubMed 32371413 (cited by Labcorp Genetics (formerly Invitae), Labcorp).